The following is an entry in ClinVar:

Conditions:
Breast-ovarian cancer, familial, susceptibility to, 1 (BROVCA1). Also called: BRCA1 Hereditary Breast and Ovarian Cancer; OVARIAN CANCER, SUSCEPTIBILITY TO. Identifiers: Orphanet 145, MedGen C2676676, MONDO:0011450, OMIM 604370. Disease mechanism: loss of function.

Submission:

Brotman Baty Institute, University of Washington
No classification provided (evidence only). Condition: Breast-ovarian cancer, familial 1. Review status: no classification provided. Collection method: in vitro. Allele origin: not applicable. Functional consequence: functionally_normal.
ClinVar note: "not provided" was previously submitted as the classification for the variant. However, the classification appeared to be based only on an observation of functional data so it was converted to no classification on 2025-07-30.

NM_007294.4(BRCA1):c.5361T>C (p.Cys1787=)

Gene: BRCA1 (BRCA1 DNA repair associated; minus strand). Cytogenetic location: 17q21.31.
Variant type: single nucleotide variant.
Coding change: c.5361T>C on transcript NM_007294.4 (MANE Select); coding-DNA position 5361, T replaced by C.
Protein change: p.Cys1787=; no amino-acid change (cysteine 1787 retained).
Molecular consequence: synonymous variant. On other transcripts: intron variant (19).
Genome position (GRCh38, 1-based): chr17:43,049,166, A>G on the plus strand (T>C on the coding strand, the complement: BRCA1 is on the minus strand). VCF-style: chr17-43049166-A-G. GRCh37 (hg19) VCF-style: chr17-41201183-A-G.
Other names: c.5148T>C, p.Cys1716= (NM_001407571.1, NM_001407894.1, NM_001407895.1 and 12 more transcripts); c.5427T>C, p.Cys1809= (NM_001407581.1, NM_001407582.1); c.5424T>C, p.Cys1808= (NM_001407583.1, NM_001407585.1, NM_001407587.1 and 1 more transcripts); c.5421T>C, p.Cys1807= (NM_001407590.1, NM_001407591.1); c.5361T>C, p.Cys1787= (NM_001407593.1, NM_001407594.1, NM_001407596.1 and 5 more transcripts); c.5358T>C, p.Cys1786= (NM_001407610.1, NM_001407611.1, NM_001407612.1 and 14 more transcripts); c.5355T>C, p.Cys1785= (NM_001407627.1, NM_001407628.1, NM_001407629.1 and 13 more transcripts); c.5352T>C, p.Cys1784= (NM_001407644.1, NM_001407645.1); and 84 more.
Identifiers: ClinVar variation 868031 (VCV000868031.3), dbSNP rs2051087788, ClinGen allele CA500143308.